The following is an entry in ClinVar:

NM_002075.4(GNB3):c.760G>A (p.Asp254Asn)

Genes: CDCA3 (cell division cycle associated 3; minus strand), GNB3 (G protein subunit beta 3; plus strand). Cytogenetic location: 12p13.31.
Variant type: single nucleotide variant.
Coding change: c.760G>A on transcript NM_002075.4 (MANE Select); coding-DNA position 760, G replaced by A.
Protein change: p.Asp254Asn; replaces aspartic acid 254 with asparagine.
Molecular consequence: missense variant. On other transcripts: 3 prime UTR variant (1).
Genome position (GRCh38, 1-based): chr12:6,845,646, G>A. VCF-style: chr12-6845646-G-A. GRCh37 (hg19) VCF-style: chr12-6954810-G-A.
Other names: c.757G>A, p.Asp253Asn (NM_001297571.2); c.*1142C>T (NM_001297603.3); short protein forms D254N, D253N.
Identifiers: ClinVar variation 3653010 (VCV003653010.2).

ClinVar aggregate classification (germline): Uncertain significance (1 of 4 stars; one submission).

gnomAD v4.1: 3 of 1,613,810 alleles (0.00019%); highest among the groups gnomAD compares: Non-Finnish European, 0.00025%; no homozygotes.

Submission:

Labcorp Genetics (formerly Invitae), Labcorp
Classification: Uncertain significance. Last evaluated: 2024-05-16. Review status: criteria provided, single submitter. Criteria: Invitae Variant Classification Sherloc (09022015). Collection method: clinical testing. Allele origin: germline.
Comment: This sequence change replaces aspartic acid, which is acidic and polar, with asparagine, which is neutral and polar, at codon 254 of the GNB3 protein (p.Asp254Asn). This variant is not present in population databases (gnomAD no frequency). This variant has not been reported in the literature in individuals affected with GNB3-related conditions. Advanced modeling of protein sequence and biophysical properties (such as structural, functional, and spatial information, amino acid conservation, physicochemical variation, residue mobility, and thermodynamic stability) performed at Invitae indicates that this missense variant is expected to disrupt GNB3 protein function with a positive predictive value of 80%. In summary, the available evidence is currently insufficient to determine the role of this variant in disease. Therefore, it has been classified as a Variant of Uncertain Significance.